The following is an entry in ClinVar:

NM_017636.4(TRPM4):c.2548G>C (p.Ala850Pro)

Gene: TRPM4 (transient receptor potential cation channel subfamily M member 4; plus strand). Cytogenetic location: 19q13.33.
Variant type: single nucleotide variant.
Coding change: c.2548G>C on transcript NM_017636.4 (MANE Select); coding-DNA position 2548, G replaced by C.
Protein change: p.Ala850Pro; replaces alanine 850 with proline.
Molecular consequence: missense variant. On other transcripts: intron variant (1).
Genome position (GRCh38, 1-based): chr19:49,196,777, G>C. VCF-style: chr19-49196777-G-C. GRCh37 (hg19) VCF-style: chr19-49700034-G-C.
Other names: c.2203G>C, p.Ala735Pro (NM_001321281.2); c.940G>C, p.Ala314Pro (NM_001321282.2); c.2026G>C, p.Ala676Pro (NM_001321283.2); c.1486G>C, p.Ala496Pro (NM_001321285.2); c.2211-3523G>C (NM_001195227.2); short protein forms A314P, A496P, A676P, A735P, A850P.
Identifiers: ClinVar variation 3227016 (VCV003227016.1), dbSNP rs2514180305, ClinGen allele CA406809444.

ClinVar aggregate classification (germline): Uncertain significance (1 of 4 stars; one submission).

Conditions:
Cardiovascular phenotype. Identifiers: MedGen CN230736.

Submission:

Ambry Genetics
Classification: Uncertain significance for Cardiovascular phenotype. Last evaluated: 2023-12-02. Review status: criteria provided, single submitter. Criteria: Ambry Variant Classification Scheme 2023. Collection method: clinical testing. Allele origin: germline.
Comment: The p.A850P variant (also known as c.2548G>C), located in coding exon 17 of the TRPM4 gene, results from a G to C substitution at nucleotide position 2548. The alanine at codon 850 is replaced by proline, an amino acid with highly similar properties. This amino acid position is conserved. In addition, this alteration is predicted to be tolerated by in silico analysis. Since supporting evidence is limited at this time, the clinical significance of this alteration remains unclear.